The following is an entry in ClinVar:

NM_001142800.2(EYS):c.4559C>A (p.Ala1520Asp)

Gene: EYS (EGF-like photoreceptor maintenance factor; minus strand). Cytogenetic location: 6q12.
Variant type: single nucleotide variant.
Coding change: c.4559C>A on transcript NM_001142800.2 (MANE Select); coding-DNA position 4559, C replaced by A.
Protein change: p.Ala1520Asp; replaces alanine 1520 with aspartic acid.
Molecular consequence: missense variant.
Genome position (GRCh38, 1-based): chr6:64,591,308, G>T on the plus strand (C>A on the coding strand, the complement: EYS is on the minus strand). VCF-style: chr6-64591308-G-T. GRCh37 (hg19) VCF-style: chr6-65301201-G-T.
Other names: c.4559C>A, p.Ala1520Asp (NM_001292009.2); c.4559C>A (NM_001142800.1); short protein forms A1520D.
Identifiers: ClinVar variation 1946135 (VCV001946135.4), dbSNP rs751565795, ClinGen allele CA364783058.

ClinVar aggregate classification (germline): Uncertain significance. Review status: criteria provided, multiple submitters, no conflicts (2 of 4 stars). 3 submissions from 3 submitters: Uncertain significance (3). Last evaluated 2024-08-05.

Conditions:
Inborn genetic diseases. Identifiers: MedGen C0950123, MeSH D030342.

gnomAD v4.1: 2 of 1,551,352 alleles (0.00013%); highest among the groups gnomAD compares: South Asian, 0.0012%; no homozygotes.

Submissions (3):

Ambry Genetics
Classification: Uncertain significance for Inborn genetic diseases. Last evaluated: 2024-08-05. Review status: criteria provided, single submitter. Criteria: Ambry Variant Classification Scheme 2023. Collection method: clinical testing. Allele origin: germline.

Labcorp Genetics (formerly Invitae), Labcorp
Classification: Uncertain significance. Last evaluated: 2022-04-14. Review status: criteria provided, single submitter. Criteria: Invitae Variant Classification Sherloc (09022015). Collection method: clinical testing. Allele origin: germline.
Comment: This sequence change replaces alanine, which is neutral and non-polar, with aspartic acid, which is acidic and polar, at codon 1520 of the EYS protein (p.Ala1520Asp). This variant is present in population databases (no rsID available, gnomAD 0.004%). This variant has not been reported in the literature in individuals affected with EYS-related conditions. Algorithms developed to predict the effect of missense changes on protein structure and function (SIFT, PolyPhen-2, Align-GVGD) all suggest that this variant is likely to be tolerated. In summary, the available evidence is currently insufficient to determine the role of this variant in disease. Therefore, it has been classified as a Variant of Uncertain Significance.

Blueprint Genetics
Classification: Uncertain significance. Last evaluated: 2019-04-25. Review status: criteria provided, single submitter. Criteria: ACMG Guidelines, 2015. Collection method: clinical testing. Allele origin: germline.